The following is an entry in ClinVar:

NM_152490.5(B3GALNT2):c.259C>T (p.Arg87Cys)

Gene: B3GALNT2 (beta-1,3-N-acetylgalactosaminyltransferase 2; minus strand). Cytogenetic location: 1q42.3.
Variant type: single nucleotide variant.
Coding change: c.259C>T on transcript NM_152490.5 (MANE Select); coding-DNA position 259, C replaced by T.
Protein change: p.Arg87Cys; replaces arginine 87 with cysteine.
Molecular consequence: missense variant.
Genome position (GRCh38, 1-based): chr1:235,494,682, G>A on the plus strand (C>T on the coding strand, the complement: B3GALNT2 is on the minus strand). VCF-style: chr1-235494682-G-A. GRCh37 (hg19) VCF-style: chr1-235657992-G-A.
Other names: c.382C>T, p.Arg128Cys (NM_001277155.3); short protein forms R87C, R128C.
Identifiers: ClinVar variation 2080363 (VCV002080363.1), dbSNP rs747653180, ClinGen allele CA1464975.
Genomic context (GRCh38, chr1:235,494,682, plus strand): 5'-AGGTTTTTCAGAACTCTTATTTCAATAAACCAGGCAAGGCAACAACTCAGAAAACCTACC[G>A]TTGACTTAATGTGGGATGCTGTAGCAAATGTCTCATCCAGGTGCTTCTTATCACGTTTCG-3'
Protein context (NP_689703.1, residues 77-97): HLLQHPTLSQ[Arg87Cys]VLVKFIIGAH

ClinVar aggregate classification (germline): Uncertain significance (1 of 4 stars; one submission).

Conditions:
Muscular dystrophy-dystroglycanopathy (congenital with brain and eye anomalies), type a, 11 (MDDGA11). Also called: Congenital muscular dystrophy-dystroglycanopathy with brain and eye anomalies, type A11; Muscular dystrophy-dystroglycanopathy (congenital with brain and eye anomalies, type A, 11; WALKER-WARBURG SYNDROME OR MUSCLE-EYE-BRAIN DISEASE, B3GALNT2-RELATED. Identifiers: Orphanet 588, Orphanet 899, MedGen C3554638, MONDO:0014071, OMIM 615181.

Allele frequency attached by ClinVar (database versions not stated): TOPMed 0.00002.

Submission:

Labcorp Genetics (formerly Invitae), Labcorp
Classification: Uncertain significance for Muscular dystrophy-dystroglycanopathy (congenital with brain and eye anomalies), type a, 11. Last evaluated: 2022-01-19. Review status: criteria provided, single submitter. Criteria: Invitae Variant Classification Sherloc (09022015). Collection method: clinical testing. Allele origin: germline.
Comment: This sequence change replaces arginine, which is basic and polar, with cysteine, which is neutral and slightly polar, at codon 87 of the B3GALNT2 protein (p.Arg87Cys). This variant is present in population databases (rs747653180, gnomAD 0.007%), including at least one homozygous and/or hemizygous individual. This variant has not been reported in the literature in individuals affected with B3GALNT2-related conditions. Algorithms developed to predict the effect of missense changes on protein structure and function are either unavailable or do not agree on the potential impact of this missense change (SIFT: "Deleterious"; PolyPhen-2: "Possibly Damaging"; Align-GVGD: "Class C0"). Algorithms developed to predict the effect of sequence changes on RNA splicing suggest that this variant may disrupt the consensus splice site. In summary, the available evidence is currently insufficient to determine the role of this variant in disease. Therefore, it has been classified as a Variant of Uncertain Significance.